The following is an entry in ClinVar:

ClinVar aggregate classification (germline): Pathogenic (1 of 4 stars; one submission).

Conditions:
Hereditary cancer-predisposing syndrome. Also called: Neoplastic Syndromes, Hereditary; Tumor predisposition; Hereditary Cancer Syndrome; Hereditary neoplastic syndrome. Identifiers: Orphanet 140162, MedGen C0027672, MeSH D009386, MONDO:0015356.

Submission:

Ambry Genetics
Classification: Pathogenic for Hereditary cancer-predisposing syndrome. Last evaluated: 2021-03-01. Review status: criteria provided, single submitter. Criteria: Ambry Variant Classification Scheme 2023. Collection method: clinical testing. Allele origin: germline.
Comment: The p.Q1004* variant (also known as c.3010C>T), located in coding exon 20 of the SMARCA4 gene, results from a C to T substitution at nucleotide position 3010. This changes the amino acid from a glutamine to a stop codon within coding exon 20. Loss-of-function variants in SMARCA4 are known to cause rhabdoid tumor predisposition syndrome including small cell carcinoma of the ovary-hypercalcemic type (SCCOHT); however, such associations with neurodevelopmental disorders are exceedingly rare (Kosho T et al. Am J Med Genet C Semin Med Genet. 2014 Sep;166C(3):262-75; Jelinic P et al. Nat Genet. 2014 May;46(5):424-6). This alteration is expected to result in loss of function by premature protein truncation or nonsense-mediated mRNA decay. Based on the supporting evidence, this alteration is pathogenic for rhabdoid tumor predisposition syndrome; however, the association of this alteration with Coffin-Siris syndrome is unlikely.

NM_003072.5(SMARCA4):c.3010C>T (p.Gln1004Ter)

Gene: SMARCA4 (SWI/SNF related BAF chromatin remodeling complex subunit ATPase 4; plus strand). Cytogenetic location: 19p13.2.
Variant type: single nucleotide variant.
Coding change: c.3010C>T on transcript NM_003072.5 (MANE Select); coding-DNA position 3010, C replaced by T.
Protein change: p.Gln1004Ter; replaces glutamine 1004 with a stop codon.
Molecular consequence: nonsense. On other transcripts: non-coding transcript variant (1).
Genome position (GRCh38, 1-based): chr19:11,024,367, C>T. VCF-style: chr19-11024367-C-T. GRCh37 (hg19) VCF-style: chr19-11135043-C-T.
Other names: c.3010C>T, p.Gln1004Ter (NM_001128844.3, NM_001128845.2, NM_001128846.2 and 6 more transcripts); short protein forms Q1004*.
Identifiers: ClinVar variation 1798810 (VCV001798810.2), dbSNP rs2146473230, ClinGen allele CA404058909.